The following is an entry in ClinVar:

NM_000515.5(GH1):c.124C>T (p.Arg42Cys)

Genes: GH-LCR (growth hormone locus control region; plus strand), GH1 (growth hormone 1; minus strand). Cytogenetic location: 17q23.3.
Variant type: single nucleotide variant.
Coding change: c.124C>T on transcript NM_000515.5 (MANE Select); coding-DNA position 124, C replaced by T.
Protein change: p.Arg42Cys; replaces arginine 42 with cysteine.
Molecular consequence: missense variant.
Genome position (GRCh38, 1-based): chr17:63,918,393, G>A on the plus strand (C>T on the coding strand, the complement: GH1 is on the minus strand). VCF-style: chr17-63918393-G-A. GRCh37 (hg19) VCF-style: chr17-61995753-G-A.
Other names: c.124C>T, p.Arg42Cys (NM_022559.4, NM_022560.4); short protein forms R42C.
Identifiers: ClinVar variation 889834 (VCV000889834.9), dbSNP rs71640273, ClinGen allele CA8708353.

ClinVar aggregate classification (germline): Uncertain significance. Review status: criteria provided, multiple submitters, no conflicts (2 of 4 stars). 4 submissions from 4 submitters: Uncertain significance (4). Last evaluated 2024-09-13.

Conditions:
Decreased response to growth hormone stimulation test. Also called: Growth hormone deficiency. Identifiers: MedGen C5539399, HP:0000824.

Allele frequency attached by ClinVar (database versions not stated): ExAC 0.00008; gnomAD 0.00011; gnomAD exomes 0.00012; TOPMed 0.00012.

Submissions (4):

Blueprint Genetics
Classification: Uncertain significance. Last evaluated: 2024-09-13. Review status: criteria provided, single submitter. Criteria: ACMG Guidelines, 2015. Collection method: clinical testing. Allele origin: germline.

Labcorp Genetics (formerly Invitae), Labcorp
Classification: Uncertain significance. Last evaluated: 2024-04-05. Review status: criteria provided, single submitter. Criteria: Invitae Variant Classification Sherloc (09022015). Collection method: clinical testing. Allele origin: germline.
Comment: This sequence change replaces arginine, which is basic and polar, with cysteine, which is neutral and slightly polar, at codon 42 of the GH1 protein (p.Arg42Cys). This variant is present in population databases (rs71640273, gnomAD 0.05%). This variant has not been reported in the literature in individuals affected with GH1-related conditions. This variant is also known as p.R16C. ClinVar contains an entry for this variant (Variation ID: 889834). An algorithm developed to predict the effect of missense changes on protein structure and function (PolyPhen-2) suggests that this variant is likely to be tolerated. In summary, the available evidence is currently insufficient to determine the role of this variant in disease. Therefore, it has been classified as a Variant of Uncertain Significance.

Mendelics
Classification: Uncertain significance. Last evaluated: 2022-05-04. Review status: criteria provided, single submitter. Criteria: Mendelics Assertion Criteria 2019. Collection method: clinical testing. Allele origin: germline.

Illumina Laboratory Services, Illumina
Classification: Uncertain significance for Growth hormone deficiency. Last evaluated: 2017-10-13. Review status: criteria provided, single submitter. Criteria: ICSL Variant Classification Criteria 13 December 2019. Collection method: clinical testing. Allele origin: germline.
Comment: This variant was observed as part of a predisposition screen in an ostensibly healthy population. A literature search was performed for the gene, cDNA change, and amino acid change (where applicable). Publications were found based on this search. However, the evidence from the literature, in combination with allele frequency data from public databases where available, was not sufficient to rule this variant in or out of causing disease. Therefore, this variant is classified as a variant of unknown significance.

Literature cited by the submitters: PubMed 23182822 (cited by Illumina Laboratory Services, Illumina); PubMed 12655557 (cited by Illumina Laboratory Services, Illumina); PubMed 13572267 (cited by Illumina Laboratory Services, Illumina).